The following is an entry in ClinVar:

NM_021922.3(FANCE):c.857A>G (p.Asp286Gly)

Gene: FANCE (FA complementation group E; plus strand). Cytogenetic location: 6p21.31.
Variant type: single nucleotide variant.
Coding change: c.857A>G on transcript NM_021922.3 (MANE Select); coding-DNA position 857, A replaced by G.
Protein change: p.Asp286Gly; replaces aspartic acid 286 with glycine.
Molecular consequence: missense variant.
Genome position (GRCh38, 1-based): chr6:35,457,557, A>G. VCF-style: chr6-35457557-A-G. GRCh37 (hg19) VCF-style: chr6-35425334-A-G.
Other names: c.857A>G, p.Asp286Gly (NM_001410876.1); short protein forms D286G.
Identifiers: ClinVar variation 3714880 (VCV003714880.2).

ClinVar aggregate classification (germline): Uncertain significance (1 of 4 stars; one submission).

Conditions:
Fanconi anemia complementation group E (FANCE). Also called: FANCE-Related Fanconi Anemia. Identifiers: Orphanet 84, MedGen C3160739, MONDO:0010953, OMIM 600901.

Submission:

Labcorp Genetics (formerly Invitae), Labcorp
Classification: Uncertain significance for Fanconi anemia complementation group E. Last evaluated: 2024-03-04. Review status: criteria provided, single submitter. Criteria: Invitae Variant Classification Sherloc (09022015). Collection method: clinical testing. Allele origin: germline.
Comment: This sequence change replaces aspartic acid, which is acidic and polar, with glycine, which is neutral and non-polar, at codon 286 of the FANCE protein (p.Asp286Gly). This variant is not present in population databases (gnomAD no frequency). This variant has not been reported in the literature in individuals affected with FANCE-related conditions. Algorithms developed to predict the effect of missense changes on protein structure and function output the following: SIFT: "Not Available"; PolyPhen-2: "Benign"; Align-GVGD: "Not Available". The glycine amino acid residue is found in multiple mammalian species, which suggests that this missense change does not adversely affect protein function. In summary, the available evidence is currently insufficient to determine the role of this variant in disease. Therefore, it has been classified as a Variant of Uncertain Significance.